The following is an entry in ClinVar:

ClinVar aggregate classification (germline): Pathogenic. Review status: criteria provided, multiple submitters, no conflicts (2 of 4 stars). 13 submissions from 12 submitters: Pathogenic (11). 2 of the submissions do not count toward it. Last evaluated 2026-01-20.

Conditions:
CHRNE-related disorder. Also called: CHRNE-related condition.
Congenital myasthenic syndrome 4B. Also called: Myasthenic syndrome, congenital, 4b, fast-channel. Identifiers: Orphanet 590, MedGen C4225369, MONDO:0014586, OMIM 616324.
Congenital myasthenic syndrome 4C (CMS4C). Also called: Myasthenic syndrome, congenital, associated with acetylcholine receptor deficiency. Identifiers: Orphanet 590, MedGen C1837091, MONDO:0012157, OMIM 608931.
Congenital myasthenic syndrome 4A. Also called: CONGENITAL MYASTHENIC SYNDROME TYPE Ia1; Myasthenic syndrome, congenital, 4a, slow-channel; MYASTHENIC SYNDROME, CONGENITAL, 4A, SLOW-CHANNEL, AUTOSOMAL RECESSIVE. Identifiers: Orphanet 590, MedGen C4225413, MONDO:0011600, OMIM 605809.
Congenital myasthenic syndrome (CMS). Also called: Congenital Myasthenic Syndromes. Identifiers: Orphanet 590, MedGen C0751882, MeSH D020294, MONDO:0018940.

Submissions (13):

Labcorp Genetics (formerly Invitae), Labcorp
Classification: Pathogenic for Congenital myasthenic syndrome 4A. Last evaluated: 2026-01-20. Review status: criteria provided, single submitter. Criteria: Invitae Variant Classification Sherloc (09022015). Collection method: clinical testing. Allele origin: germline.
Comment: This sequence change creates a premature translational stop signal (p.Asn452Glufs*4) in the CHRNE gene. While this is not anticipated to result in nonsense mediated decay, it is expected to disrupt the last 42 amino acid(s) of the CHRNE protein. This variant is present in population databases (rs773526895, gnomAD 0.3%). This premature translational stop signal has been observed in individuals with autosomal recessive congenital myasthenic syndrome (PMID: 8957026, 15951177, 19064877, 21175599, 28024842, 29054425). This variant is also known as 1293insG. ClinVar contains an entry for this variant (Variation ID: 243032). Algorithms developed to predict the effect of variants on gene product structure and function are not available or were not evaluated for this variant. Experimental studies have shown that this premature translational stop signal affects CHRNE function (PMID: 8957026). Algorithms developed to predict the effect of sequence changes on RNA splicing suggest that this variant may disrupt the consensus splice site. For these reasons, this variant has been classified as Pathogenic.

Natera, Inc.
Classification: Pathogenic for Congenital myasthenic syndrome. Last evaluated: 2025-06-17. Review status: criteria provided, single submitter. Criteria: Natera Variant Classification Schema (03/2026). Collection method: clinical testing. Allele origin: germline.
Comment: The c.1353dupG variant in CHRNE is a frameshift variant predicted to shift the reading frame beginning at codon 452 and leads to a stop codon 4 codons downstream. This variant is expected to result in nonsense mediated decay, truncation, or a dysfunctional protein product. This variant has been observed in one or more individuals affected with the associated recessive disease, as either homozygous or compound heterozygous with a second variant (PMID: 20562457). Additionally, this variant has been observed to segregate in affected family members (PMID: 20562457). Given the available evidence, this variant is classified as Pathogenic.

PreventionGenetics, part of Exact Sciences
Classification: Pathogenic for CHRNE-related condition. Last evaluated: 2025-05-27. Review status: criteria provided, single submitter. Criteria: ACMG Guidelines, 2015. Collection method: clinical testing. Allele origin: germline.
Comment: The CHRNE c.1353dupG variant is predicted to result in a frameshift and premature protein termination (p.Asn452Glufs*4). This variant has been reported in several unrelated individuals with autosomal recessive congenital myasthenic syndrome (Described as c.1293insG, Engel et al. 1996. PubMed ID: 8957026; Maselli et al. 2010. PubMed ID: 21175599; Natera-de Benito et al. 2017. PubMed ID: 29054425). This variant is reported in 0.27% of alleles in individuals of Ashkenazi Jewish descent in gnomAD. Frameshift variants in CHRNE are expected to be pathogenic. This variant is interpreted as pathogenic.

Revvity Omics, Revvity
Classification: Pathogenic. Last evaluated: 2025-05-06. Review status: criteria provided, single submitter. Criteria: ACMG Guidelines, 2015. Collection method: clinical testing. Allele origin: germline.

3billion
Classification: Pathogenic for Congenital myasthenic syndrome 4C. Last evaluated: 2024-12-18. Review status: criteria provided, single submitter. Criteria: ACMG Guidelines, 2015. Collection method: clinical testing. Allele origin: germline. Affected: yes.
Comment: The variant is observed at an extremely low frequency in the gnomAD v4.1.0 dataset (total allele frequency: 0.008%). Predicted Consequence/Location: Frameshift: predicted to result in a loss or disruption of normal protein function through protein truncation. The predicted truncated protein may be shortened by less than 10%. Functional studies provide strong evidence of the variant having a damaging effect on the gene or gene product (PMID: 8957026). The variant has been reported at least twice as pathogenic with clinical assertions and evidence for the classification (ClinVar ID: VCV000243032 /PMID: 8957026 /3billion dataset). Therefore, this variant is classified as Pathogenic according to the recommendation of ACMG/AMP guideline.

Blueprint Genetics
Classification: Pathogenic for CHRNE-related disorders. Last evaluated: 2024-10-31. Review status: criteria provided, single submitter. Criteria: ACMG Guidelines, 2015. Collection method: clinical testing. Allele origin: germline. Affected: yes. Observed: 5 variant alleles.

Fulgent Genetics
Classification: Pathogenic for Congenital myasthenic syndrome 4A; Congenital myasthenic syndrome 4C; Congenital myasthenic syndrome 4B. Last evaluated: 2024-04-26. Review status: criteria provided, single submitter. Criteria: ACMG Guidelines, 2015. Collection method: clinical testing. Allele origin: germline.

Baylor Genetics
Classification: Pathogenic for Congenital myasthenic syndrome 4A. Last evaluated: 2024-03-27. Review status: criteria provided, single submitter. Criteria: ACMG Guidelines, 2015. Collection method: clinical testing. Allele origin: unknown.

GeneDx
Classification: Pathogenic. Last evaluated: 2022-11-07. Review status: criteria provided, single submitter. Criteria: GeneDx Variant Classification Process June 2021. Collection method: clinical testing. Allele origin: germline. Affected: yes.
Comment: Reported previously using alternate nomenclature (c.1293insG) in multiple individuals with congenital myasthenia, and is noted to be a founder mutation in Northern Africa (Beeson et al., 2005; Richard et al., 2008; Mihaylova et al., 2010; Maselli et al., 2011); Published functional studies demostrate severely reduced cell surface expression and absent channel activity (Engel et al., 1996); Frameshift variant in the C-terminus predicted to result in protein truncation, as the last 42 amino acids are lost and replaced with three incorrect amino acids; This variant is associated with the following publications: (PMID: 20301347, 15951177, 8957026, 19064877, 20562457, 21175599, 29054425, 31589614, 10976646, 12536367)

New York Genome Center
Classification: Pathogenic for Congenital myasthenic syndrome 4A; Congenital myasthenic syndrome 4B; Congenital myasthenic syndrome 4C. Last evaluated: 2021-03-19. Review status: criteria provided, single submitter. Criteria: NYGC Assertion Criteria 2020. Collection method: clinical testing. Allele origin: inherited. Observed: 1 heterozygote. Study: CSER-NYCKidSeq.

Baylor Genetics
Classification: Pathogenic for Congenital myasthenic syndrome 4C. Review status: criteria provided, single submitter. Criteria: ACMG Guidelines, 2015. Collection method: clinical testing. Allele origin: germline.

OMIM
Classification: Pathogenic for MYASTHENIC SYNDROME, CONGENITAL, 4C, ASSOCIATED WITH ACETYLCHOLINE RECEPTOR DEFICIENCY. Last evaluated: 2008-12-09. Review status: no assertion criteria provided. Collection method: literature only. Allele origin: germline. Not counted in ClinVar's aggregate classification.

GeneReviews
No classification provided. Condition: Congenital myasthenic syndrome. Review status: no classification provided. Collection method: literature only. Allele origin: germline. Affected: yes. Not counted in ClinVar's aggregate classification.
Comment: Variant of a regulatory element (N-box) in the AChRε promoter region resulting in reduced gene expression.

Literature cited by the submitters: PubMed 8957026 (cited by 3 submitters); PubMed 15951177 (cited by Labcorp Genetics (formerly Invitae), Labcorp and GeneReviews); PubMed 19064877 (cited by Labcorp Genetics (formerly Invitae), Labcorp and OMIM); PubMed 21175599 (cited by Labcorp Genetics (formerly Invitae), Labcorp); PubMed 28024842 (cited by Labcorp Genetics (formerly Invitae), Labcorp); PubMed 29054425 (cited by Labcorp Genetics (formerly Invitae), Labcorp); PubMed 20562457 (cited by Natera, Inc.); NCBI Bookshelf NBK1168 (cited by GeneReviews).

NM_000080.4(CHRNE):c.1353dup (p.Asn452fs)

Gene: CHRNE (cholinergic receptor nicotinic epsilon subunit; minus strand). Cytogenetic location: 17p13.2.
Variant type: Duplication.
Coding change: c.1353dup on transcript NM_000080.4 (MANE Select); coding-DNA position 1353, one base duplicated (G; older notation c.1353dupG).
Protein change: p.Asn452fs; shifts the reading frame from asparagine 452.
Molecular consequence: frameshift variant.
Genome position (GRCh38, 1-based): chr17:4,898,865, C duplicated on the plus strand (G on the coding strand, the reverse complement: CHRNE is on the minus strand); the first of 4 consecutive C bases (chr17:4,898,865-4,898,868); duplicating any one gives the same sequence. VCF-style (leftmost placement, unchanged base first): chr17-4898864-T-TC. GRCh37 (hg19) VCF-style: chr17-4802159-T-TC.
Other names: epsilon1293insG; e1293insG; c.1353dup (NM_000080.3); c.1353dupG (NM_000080.4); short protein forms N452fs.
Identifiers: ClinVar variation 243032 (VCV000243032.31), dbSNP rs773526895, ClinGen allele CA8313842.